The following is an entry in ClinVar:

ClinVar aggregate classification (germline): Uncertain significance. Review status: criteria provided, multiple submitters, no conflicts (2 of 4 stars). 4 submissions from 4 submitters: Uncertain significance (3). 1 of the submissions does not count toward it. Last evaluated 2025-12-04.

Conditions:
CUBN-related disorder. Also called: CUBN-related condition.
Imerslund-Grasbeck syndrome. Also called: ENTEROCYTE COBALAMIN MALABSORPTION; ENTEROCYTE INTRINSIC FACTOR RECEPTOR, DEFECT OF; PERNICIOUS ANEMIA, JUVENILE, DUE TO SELECTIVE INTESTINAL MALABSORPTION OF VITAMIN B12, WITH PROTEINURIA; Megaloblastic anemia due to inborn errors of metabolism; Imerslund-Gräsbeck syndrome. Identifiers: Orphanet 35858, MedGen C4551825, MONDO:0009853.

Allele frequency attached by ClinVar (database versions not stated): ESP Exome Variant Server 0.00062; TOPMed 0.00063; gnomAD 0.00055; 1000 Genomes Project 30x 0.00062; gnomAD exomes 0.00004; 1000 Genomes Project 0.00040; ExAC 0.00013.
gnomAD v4.1: 157 of 1,613,818 alleles (0.0097%); highest among the groups gnomAD compares: African/African-American, 0.14%; no homozygotes.

Submissions (4):

Labcorp Genetics (formerly Invitae), Labcorp
Classification: Uncertain significance for Imerslund-Grasbeck syndrome. Last evaluated: 2025-12-04. Review status: criteria provided, single submitter. Criteria: Invitae Variant Classification Sherloc (09022015). Collection method: clinical testing. Allele origin: germline.
Comment: This sequence change replaces serine, which is neutral and polar, with alanine, which is neutral and non-polar, at codon 1876 of the CUBN protein (p.Ser1876Ala). This variant is present in population databases (rs145026134, gnomAD 0.1%). This variant has not been reported in the literature in individuals affected with CUBN-related conditions. ClinVar contains an entry for this variant (Variation ID: 2047724). Invitae Evidence Modeling of protein sequence and biophysical properties (such as structural, functional, and spatial information, amino acid conservation, physicochemical variation, residue mobility, and thermodynamic stability) indicates that this missense variant is not expected to disrupt CUBN protein function with a negative predictive value of 80%. In summary, the available evidence is currently insufficient to determine the role of this variant in disease. Therefore, it has been classified as a Variant of Uncertain Significance.

GeneDx
Classification: Uncertain significance. Last evaluated: 2025-07-29. Review status: criteria provided, single submitter. Criteria: GeneDx Variant Classification Process June 2021. Collection method: clinical testing. Allele origin: germline.
Comment: In silico analysis suggests that this missense variant does not alter protein structure/function; Has not been previously published as pathogenic or benign to our knowledge

Mayo Clinic Laboratories, Mayo Clinic
Classification: Uncertain significance. Last evaluated: 2024-01-17. Review status: criteria provided, single submitter. Criteria: ACMG Guidelines, 2015. Collection method: clinical testing. Allele origin: germline. Observed: 1 variant allele.
Comment: BP4_strong

PreventionGenetics, part of Exact Sciences
Classification: Uncertain significance for CUBN-related condition. Last evaluated: 2024-03-16. Review status: no assertion criteria provided. Collection method: clinical testing. Allele origin: germline. Not counted in ClinVar's aggregate classification.
Comment: The CUBN c.5626T>G variant is predicted to result in the amino acid substitution p.Ser1876Ala. To our knowledge, this variant has not been reported in the literature. This variant is reported in 0.12% of alleles in individuals of African descent in gnomAD. Although we suspect that this variant may be benign, at this time, the clinical significance of this variant is uncertain due to the absence of conclusive functional and genetic evidence.

NM_001081.4(CUBN):c.5626T>G (p.Ser1876Ala)

Gene: CUBN (cubilin; minus strand). Cytogenetic location: 10p13.
Variant type: single nucleotide variant.
Coding change: c.5626T>G on transcript NM_001081.4 (MANE Select); coding-DNA position 5626, T replaced by G.
Protein change: p.Ser1876Ala; replaces serine 1876 with alanine.
Molecular consequence: missense variant.
Genome position (GRCh38, 1-based): chr10:16,939,070, A>C on the plus strand (T>G on the coding strand, the complement: CUBN is on the minus strand). VCF-style: chr10-16939070-A-C. GRCh37 (hg19) VCF-style: chr10-16981069-A-C.
Other names: p.Ser1876Ala; short protein forms S1876A.
Identifiers: ClinVar variation 2047724 (VCV002047724.7), dbSNP rs145026134, ClinGen allele CA5423956.